The following is an entry in ClinVar:

ClinVar aggregate classification (germline): Conflicting classifications of pathogenicity. Review status: criteria provided, conflicting classifications (1 of 4 stars). 4 submissions from 4 submitters: Uncertain significance (2); Likely benign (1). 1 of the submissions does not count toward it. Last evaluated 2024-10-24.

Conditions:
CRELD1-related disorder. Also called: CRELD1-related condition.
Atrioventricular septal defect, susceptibility to, 2. Identifiers: MedGen C1853508, MONDO:0011650, OMIM 606217.

Allele frequency attached by ClinVar (database versions not stated): ExAC 0.00003; gnomAD 0.00003; TOPMed 0.00003; gnomAD exomes 0.00004; ESP Exome Variant Server 0.00008; 1000 Genomes Project 30x 0.00016; 1000 Genomes Project 0.00020.
gnomAD v4.1: 37 of 798,640 alleles (0.0046%); highest among the groups gnomAD compares: Middle Eastern, 0.067%; no homozygotes.

Submissions (4):

Blueprint Genetics
Classification: Likely benign. Last evaluated: 2024-10-24. Review status: criteria provided, single submitter. Criteria: ACMG Guidelines, 2015. Collection method: clinical testing. Allele origin: germline.

GeneDx
Classification: Uncertain significance. Last evaluated: 2024-02-08. Review status: criteria provided, single submitter. Criteria: GeneDx Variant Classification Process June 2021. Collection method: clinical testing. Allele origin: germline. Affected: yes.
Comment: In silico analysis supports that this missense variant does not alter protein structure/function; Has not been previously published as pathogenic or benign to our knowledge; Reported using an alternate transcript of the gene

Labcorp Genetics (formerly Invitae), Labcorp
Classification: Uncertain significance for Atrioventricular septal defect, susceptibility to, 2. Last evaluated: 2021-08-21. Review status: criteria provided, single submitter. Criteria: Invitae Variant Classification Sherloc (09022015). Collection method: clinical testing. Allele origin: germline.
Comment: This sequence change replaces arginine with histidine at codon 408 of the CRELD1 protein (p.Arg408His). The arginine residue is moderately conserved and there is a small physicochemical difference between arginine and histidine. This variant is present in population databases (rs144715692, ExAC 0.01%). This variant has not been reported in the literature in individuals affected with CRELD1-related conditions. Algorithms developed to predict the effect of missense changes on protein structure and function are either unavailable or do not agree on the potential impact of this missense change (SIFT: "Deleterious"; PolyPhen-2: "Benign"; Align-GVGD: "Class C0"). In summary, the available evidence is currently insufficient to determine the role of this variant in disease. Therefore, it has been classified as a Variant of Uncertain Significance.

PreventionGenetics, part of Exact Sciences
Classification: Uncertain significance for CRELD1-related condition. Last evaluated: 2024-07-02. Review status: no assertion criteria provided. Collection method: clinical testing. Allele origin: germline. Not counted in ClinVar's aggregate classification.
Comment: The CRELD1 c.1223G>A variant is predicted to result in the amino acid substitution p.Arg408His. To our knowledge, this variant has not been reported in the literature. This variant is reported in 0.0098% of alleles in individuals of South Asian descent in gnomAD. At this time, the clinical significance of this variant is uncertain due to the absence of conclusive functional and genetic evidence.

NM_001077415.3(CRELD1):c.1049-289G>A

Gene: CRELD1 (CRELD disulfide isomerase 1; plus strand). Cytogenetic location: 3p25.3.
Variant type: single nucleotide variant.
Coding change: c.1049-289G>A on transcript NM_001077415.3 (MANE Select); 289 bases into the intron before coding-DNA position 1049, G replaced by A.
Molecular consequence: intron variant. On other transcripts: missense variant (3).
Genome position (GRCh38, 1-based): chr3:9,944,076, G>A. VCF-style: chr3-9944076-G-A. GRCh37 (hg19) VCF-style: chr3-9985760-G-A.
Other names: c.1223G>A (NM_001031717.3); c.1223G>A, p.Arg408His (NM_001031717.4); c.1235G>A, p.Arg412His (NM_001374317.1, NM_001374318.1); c.965-289G>A (NM_001374319.1, NM_001374320.1); c.1049-289G>A (NM_001374316.1, NM_015513.6); short protein forms R408H, R412H.
Identifiers: ClinVar variation 1427379 (VCV001427379.9), dbSNP rs144715692, ClinGen allele CA2247961.